The following is an entry in ClinVar:

ClinVar aggregate classification (germline): Uncertain significance (1 of 4 stars; one submission).

Conditions:
Familial cancer of breast. Also called: BREAST CANCER, FAMILIAL; Hereditary breast cancer; hereditary breast carcinoma. Identifiers: Orphanet 227535, MedGen C0346153, MONDO:0016419, OMIM 114480. Disease mechanism: loss of function.

Submission:

Labcorp Genetics (formerly Invitae), Labcorp
Classification: Uncertain significance for Familial cancer of breast. Last evaluated: 2017-10-23. Review status: criteria provided, single submitter. Criteria: Invitae Variant Classification Sherloc (09022015). Collection method: clinical testing. Allele origin: germline.
Comment: This sequence change replaces methionine with threonine at codon 768 of the BARD1 protein (p.Met768Thr). The methionine residue is highly conserved and there is a moderate physicochemical difference between methionine and threonine. This variant is not present in population databases (ExAC no frequency). This variant has not been reported in the literature in individuals with BARD1-related disease. Algorithms developed to predict the effect of missense changes on protein structure and function (SIFT, PolyPhen-2, Align-GVGD) all suggest that this variant is likely to be tolerated, but these predictions have not been confirmed by published functional studies and their clinical significance is uncertain. In summary, the available evidence is currently insufficient to determine the role of this variant in disease. Therefore, it has been classified as a Variant of Uncertain Significance.

NM_000465.4(BARD1):c.2303T>C (p.Met768Thr)

Gene: BARD1 (BRCA1 associated RING domain 1; minus strand). Cytogenetic location: 2q35.
Variant type: single nucleotide variant.
Coding change: c.2303T>C on transcript NM_000465.4 (MANE Select); coding-DNA position 2303, T replaced by C.
Protein change: p.Met768Thr; replaces methionine 768 with threonine.
Molecular consequence: missense variant. On other transcripts: non-coding transcript variant (3).
Genome position (GRCh38, 1-based): chr2:214,728,707, A>G on the plus strand (T>C on the coding strand, the complement: BARD1 is on the minus strand). VCF-style: chr2-214728707-A-G. GRCh37 (hg19) VCF-style: chr2-215593431-A-G.
Other names: c.2246T>C, p.Met749Thr (NM_001282543.2); c.950T>C, p.Met317Thr (NM_001282545.2); c.893T>C, p.Met298Thr (NM_001282548.2); c.764T>C, p.Met255Thr (NM_001282549.2); short protein forms M768T, M298T, M749T, M317T, M255T.
Identifiers: ClinVar variation 530123 (VCV000530123.9), dbSNP rs1553612018, ClinGen allele CA350449783.